The following is an entry in ClinVar:

NM_000038.6(APC):c.8249A>C (p.Glu2750Ala)

Gene: APC (APC regulator of Wnt signaling pathway; plus strand). Cytogenetic location: 5q22.2.
Variant type: single nucleotide variant.
Coding change: c.8249A>C on transcript NM_000038.6 (MANE Select); coding-DNA position 8249, A replaced by C.
Protein change: p.Glu2750Ala; replaces glutamic acid 2750 with alanine.
Molecular consequence: missense variant.
Genome position (GRCh38, 1-based): chr5:112,843,843, A>C. VCF-style: chr5-112843843-A-C. GRCh37 (hg19) VCF-style: chr5-112179540-A-C.
Other names: c.8249A>C, p.Glu2750Ala (NM_001127510.3, NM_001354895.2, NM_001407450.1); c.8195A>C, p.Glu2732Ala (NM_001127511.3); c.8303A>C, p.Glu2768Ala (NM_001354896.2, NM_001407447.1, NM_001407448.1 and 1 more transcripts); c.8279A>C, p.Glu2760Ala (NM_001354897.2); c.8174A>C, p.Glu2725Ala (NM_001354898.2); c.8165A>C, p.Glu2722Ala (NM_001354899.2); c.8126A>C, p.Glu2709Ala (NM_001354900.2); c.8072A>C, p.Glu2691Ala (NM_001354901.2, NM_001407453.1); and 11 more; short protein forms E2467A, E2750A, E2760A, E2659A, E2709A, E2590A, E2621A, E2624A.
Identifiers: ClinVar variation 1762611 (VCV001762611.3), dbSNP rs2150001825, ClinGen allele CA16039231.

ClinVar aggregate classification (germline): Uncertain significance. Review status: criteria provided, multiple submitters, no conflicts (2 of 4 stars). 2 submissions from 2 submitters: Uncertain significance (2). Last evaluated 2025-05-30.

Conditions:
Hereditary cancer-predisposing syndrome. Also called: Neoplastic Syndromes, Hereditary; Tumor predisposition; Hereditary Cancer Syndrome; Hereditary neoplastic syndrome. Identifiers: Orphanet 140162, MedGen C0027672, MeSH D009386, MONDO:0015356.

Allele frequency attached by ClinVar (database versions not stated): gnomAD exomes 0.00001.
gnomAD v4.1: 6 of 1,614,130 alleles (0.00037%); highest among the groups gnomAD compares: Non-Finnish European, 0.00051%; no homozygotes.

Submissions (2):

Color Diagnostics, LLC DBA Color Health
Classification: Uncertain significance for Hereditary cancer-predisposing syndrome. Last evaluated: 2025-05-30. Review status: criteria provided, single submitter. Criteria: ACMG Guidelines, 2015. Collection method: clinical testing. Allele origin: germline.
Comment: This missense variant replaces glutamic acid with alanine at codon 2750 of the APC protein. Computational prediction suggests that this variant may not impact protein structure and function. To our knowledge, functional studies have not been reported for this variant. This variant has not been reported in individuals affected with APC-related disorders in the literature. This variant has not been identified in the general population by the Genome Aggregation Database (gnomAD). The available evidence is insufficient to determine the role of this variant in disease conclusively. Therefore, this variant is classified as a Variant of Uncertain Significance.

Ambry Genetics
Classification: Uncertain significance for Hereditary cancer-predisposing syndrome. Last evaluated: 2020-08-26. Review status: criteria provided, single submitter. Criteria: Ambry Variant Classification Scheme 2023. Collection method: clinical testing. Allele origin: germline.
Comment: The p.E2750A variant (also known as c.8249A>C), located in coding exon 15 of the APC gene, results from an A to C substitution at nucleotide position 8249. The glutamic acid at codon 2750 is replaced by alanine, an amino acid with dissimilar properties. This amino acid position is highly conserved in available vertebrate species. In addition, in silico predictors for this gene do not accurately predict pathogenicity. Since supporting evidence is limited at this time, the clinical significance of this alteration remains unclear.